The following is an entry in ClinVar:

NM_002465.4(MYBPC1):c.1053C>T (p.Ala351=)

Genes: MYBPC1 (myosin binding protein C1; plus strand), LOC105369937 (uncharacterized LOC105369937; minus strand). Cytogenetic location: 12q23.2.
Variant type: single nucleotide variant.
Coding change: c.1053C>T on transcript NM_002465.4 (MANE Select); coding-DNA position 1053, C replaced by T.
Protein change: p.Ala351=; no amino-acid change (alanine 351 retained).
Molecular consequence: synonymous variant.
Genome position (GRCh38, 1-based): chr12:101,646,850, C>T. VCF-style: chr12-101646850-C-T. GRCh37 (hg19) VCF-style: chr12-102040628-C-T.
Other names: c.978C>T, p.Ala326= (NM_001254718.3, NM_001254719.3, NM_206820.4 and 1 more transcripts); c.942C>T, p.Ala314= (NM_001254720.3); c.921C>T, p.Ala307= (NM_001254721.3, NM_001404676.1, NM_001404678.1); c.900C>T, p.Ala300= (NM_001254722.3, NM_001404680.1); c.939C>T, p.Ala313= (NM_001254723.3); c.1053C>T, p.Ala351= (NM_001404675.1, NM_206819.4); c.843C>T, p.Ala281= (NM_001404677.1, NM_001404679.1, NM_001404681.1); c.1053C>T (NM_002465.2).
Identifiers: ClinVar variation 1678745 (VCV001678745.7), dbSNP rs756600573, ClinGen allele CA6744695.

ClinVar aggregate classification (germline): Likely benign. Review status: criteria provided, multiple submitters, no conflicts (2 of 4 stars). 3 submissions from 3 submitters: Likely benign (2). 1 of the submissions does not count toward it. Last evaluated 2025-02-12.

Conditions:
Inborn genetic diseases. Identifiers: MedGen C0950123, MeSH D030342.
MYBPC1-related disorder. Also called: MYBPC1-related condition.

Allele frequency attached by ClinVar (database versions not stated): ExAC 0.00001; gnomAD 0.00001; gnomAD exomes 0.00001 and 0.00002; TOPMed 0.00002.
gnomAD v4.1: 15 of 1,613,864 alleles (0.00093%); highest among the groups gnomAD compares: Admixed American, 0.0067%; no homozygotes.

Submissions (3):

Ambry Genetics
Classification: Likely benign for Inborn genetic diseases. Last evaluated: 2025-02-12. Review status: criteria provided, single submitter. Criteria: Ambry Variant Classification Scheme 2023. Collection method: clinical testing. Allele origin: germline.

GeneDx
Classification: Likely benign. Last evaluated: 2021-01-18. Review status: criteria provided, single submitter. Criteria: GeneDx Variant Classification Process June 2021. Collection method: clinical testing. Allele origin: germline. Affected: yes.
Comment: See Variant Classification Assertion Criteria.

PreventionGenetics, part of Exact Sciences
Classification: Likely benign for MYBPC1-related condition. Last evaluated: 2019-03-26. Review status: no assertion criteria provided. Collection method: clinical testing. Allele origin: germline. Not counted in ClinVar's aggregate classification.
Comment: This variant is classified as likely benign based on ACMG/AMP sequence variant interpretation guidelines (Richards et al. 2015 PMID: 25741868, with internal and published modifications).